The following is an entry in ClinVar:

ClinVar aggregate classification (germline): Likely benign (0 of 4 stars; one submission).

Conditions:
UBE3A-related disorder. Also called: UBE3A-related condition.

Allele frequency attached by ClinVar (database versions not stated): ExAC 0.00001; gnomAD exomes 0.00002.
gnomAD v4.1: 27 of 1,613,518 alleles (0.0017%); highest among the groups gnomAD compares: East Asian, 0.0022%; no homozygotes.

Submission:

PreventionGenetics, part of Exact Sciences
Classification: Likely benign for UBE3A-related condition. Last evaluated: 2019-08-14. Review status: no assertion criteria provided. Collection method: clinical testing. Allele origin: germline.
Comment: This variant is classified as likely benign based on ACMG/AMP sequence variant interpretation guidelines (Richards et al. 2015 PMID: 25741868, with internal and published modifications).

NM_130839.5(UBE3A):c.21-10C>T

Genes: SNHG14 (small nucleolar RNA host gene 14; plus strand), UBE3A (ubiquitin protein ligase E3A; minus strand). Cytogenetic location: 15q11.2.
Variant type: single nucleotide variant.
Coding change: c.21-10C>T on transcript NM_130839.5 (MANE Select); 10 bases into the intron before coding-DNA position 21, C replaced by T.
Molecular consequence: intron variant.
Genome position (GRCh38, 1-based): chr15:25,405,512, G>A on the plus strand (C>T on the coding strand, the complement: UBE3A is on the minus strand). VCF-style: chr15-25405512-G-A. GRCh37 (hg19) VCF-style: chr15-25650659-G-A.
Other names: c.-115-29749C>T (NM_001354546.2); c.-40-10C>T (NM_001354551.2, NM_001354549.2, NM_001354548.2 and 17 more transcripts); c.21-10C>T (NM_001354550.2, NM_001354545.2, NM_001354538.2 and 1 more transcripts); c.-153-10C>T (NM_001354523.2); c.30-10C>T (NM_000462.5).
Identifiers: ClinVar variation 3035716 (VCV003035716.2), dbSNP rs758534647, ClinGen allele CA7435707.